The following is an entry in ClinVar:

NM_032119.4(ADGRV1):c.6707-329G>T

Gene: ADGRV1 (adhesion G protein-coupled receptor V1; plus strand). Cytogenetic location: 5q14.3.
Variant type: single nucleotide variant.
Coding change: c.6707-329G>T on transcript NM_032119.4 (MANE Select); 329 bases into the intron before coding-DNA position 6707, G replaced by T.
Molecular consequence: intron variant.
Genome position (GRCh38, 1-based): chr5:90,690,468, G>T. VCF-style: chr5-90690468-G-T. GRCh37 (hg19) VCF-style: chr5-89986285-G-T.
Identifiers: ClinVar variation 672427 (VCV000672427.1), dbSNP rs114172556, ClinGen allele CA122797004.

ClinVar aggregate classification (germline): Likely benign (1 of 4 stars; one submission).

Allele frequency attached by ClinVar (database versions not stated): 1000 Genomes Project 30x 0.00765; gnomAD 0.01293; TOPMed 0.01530; 1000 Genomes Project 0.00739.
gnomAD v4.1: 2,273 of 152,278 alleles (1.5%); highest among the groups gnomAD compares: Middle Eastern, 3.7%; 26 homozygotes.

Submission:

GeneDx
Classification: Likely benign. Last evaluated: 2018-06-14. Review status: criteria provided, single submitter. Criteria: GeneDx Variant Classification (06012015). Collection method: clinical testing. Allele origin: germline. Affected: yes.
Comment: This variant is considered likely benign or benign based on one or more of the following criteria: it is a conservative change, it occurs at a poorly conserved position in the protein, it is predicted to be benign by multiple in silico algorithms, and/or has population frequency not consistent with disease.